The following is an entry in ClinVar:

NM_000545.8(HNF1A):c.388C>G (p.Gln130Glu)

Gene: HNF1A (HNF1 homeobox A; plus strand). Cytogenetic location: 12q24.31.
Variant type: single nucleotide variant.
Coding change: c.388C>G on transcript NM_000545.8 (MANE Select); coding-DNA position 388, C replaced by G.
Protein change: p.Gln130Glu; replaces glutamine 130 with glutamic acid.
Molecular consequence: missense variant.
Genome position (GRCh38, 1-based): chr12:120,988,894, C>G. VCF-style: chr12-120988894-C-G. GRCh37 (hg19) VCF-style: chr12-121426697-C-G.
Other names: NM_001306179.2:c.388C>G; c.388C>G, p.Gln130Glu (NM_001306179.2, NM_001406915.1); short protein forms Q130E.
Identifiers: ClinVar variation 3238980 (VCV003238980.1), dbSNP rs1876669962.
Genomic context (GRCh38, chr12:120,988,894, plus strand): 5'-GAGGACCCGTGGCGTGTGGCGAAGATGGTCAAGTCCTACCTGCAGCAGCACAACATCCCA[C>G]AGCGGGAGGTGGTCGATACCACTGGCCTCAACCAGTCCCACCTGTCCCAACACCTCAACA-3'
Protein context (NP_000536.6, residues 120-140): KSYLQQHNIP[Gln130Glu]REVVDTTGLN

ClinVar aggregate classification (germline): Likely pathogenic (3 of 4 stars; one submission).

Conditions:
Monogenic diabetes. Identifiers: Orphanet 183625, MedGen C3888631, MONDO:0015967.

Submission:

ClinGen Monogenic Diabetes Variant Curation Expert Panel
Classification: Likely pathogenic for Monogenic diabetes. Last evaluated: 2024-06-09. Review status: reviewed by expert panel. Criteria: ClinGen Diabetes ACMG Specifications HNF1A V2.1.0. Collection method: curation. Allele origin: germline. Inheritance: Autosomal dominant inheritance.
Comment: The c.388C>G variant in the hepatocyte nuclear factor 4-alpha gene, HNF4A, causes an amino acid change of glutamine to glutamic acid at codon 130 (p.(Gln130Glu)) of NM_000545.8. This variant is predicted to be deleterious by computational evidence, with a REVEL score of 0.903, which is greater than the MDEP VCEP threshold of 0.70 (PP3). This variant resides in an amino acid within the HNF1α DNA binding domain that directly binds DNA, which is defined as critical for the protein’s function by the ClinGen MDEP (PM1). Functional studies demonstrated the p.Gln130Gly protein has transactivation and DNA binding below 40% of wild type, indicating that this variant impacts protein function (PS3_Supporting; PMID: 32017842). This variant is absent from gnomAD v2.1.1 (PM2_Supporting). This variant was identified in 2 unrelated individuals with non-autoimmune and non-absolute/near-absolute insulin-deficient diabetes; however, PS4_Moderate cannot be applied because this number is below the ClinGen MDEP threshold (PMID: 32017842, internal lab contributors). One of these individuals had a clinical history highly specific for HNF1A-monogenic diabetes (MODY probability calculator result >50%, negative genetic testing for HNF4A, and antibody negative) (PP4_Moderate; internal lab contributors). In summary, c.388C>G meets the criteria to be classified as likely pathogenic for monogenic diabetes. ACMG/AMP criteria applied, as specified by the ClinGen MDEP (specification version 2.1.0, approved 8/11/2023): PP4_Moderate, PM1, PP3, PM2_Supporting, PS3_Supporting.

Literature cited by the submitters: PubMed 32017842.